The following is an entry in ClinVar:

ClinVar aggregate classification (germline): Uncertain significance (1 of 4 stars; one submission).

Conditions:
Hereditary cancer-predisposing syndrome. Also called: Neoplastic Syndromes, Hereditary; Tumor predisposition; Hereditary neoplastic syndrome; Hereditary Cancer Syndrome. Identifiers: Orphanet 140162, MedGen C0027672, MeSH D009386, MONDO:0015356.

Submission:

Ambry Genetics
Classification: Uncertain significance for Hereditary cancer-predisposing syndrome. Last evaluated: 2023-11-13. Review status: criteria provided, single submitter. Criteria: Ambry Variant Classification Scheme 2023. Collection method: clinical testing. Allele origin: germline.
Comment: The p.Q1175K variant (also known as c.3523C>A), located in coding exon 10 of the BRCA2 gene, results from a C to A substitution at nucleotide position 3523. The glutamine at codon 1175 is replaced by lysine, an amino acid with similar properties. This amino acid position is not well conserved in available vertebrate species. In addition, this alteration is predicted to be tolerated by in silico analysis. Since supporting evidence is limited at this time, the clinical significance of this alteration remains unclear.

NM_000059.4(BRCA2):c.3523C>A (p.Gln1175Lys)

Gene: BRCA2 (BRCA2 DNA repair associated; plus strand). Cytogenetic location: 13q13.1.
Variant type: single nucleotide variant.
Coding change: c.3523C>A on transcript NM_000059.4 (MANE Select); coding-DNA position 3523, C replaced by A.
Protein change: p.Gln1175Lys; replaces glutamine 1175 with lysine.
Molecular consequence: missense variant. On other transcripts: non-coding transcript variant (1), intron variant (2).
Genome position (GRCh38, 1-based): chr13:32,337,878, C>A. VCF-style: chr13-32337878-C-A. GRCh37 (hg19) VCF-style: chr13-32912015-C-A.
Other names: c.3523C>A, p.Gln1175Lys (NM_001406719.1, NM_001406720.1); c.1909+4491C>A (NM_001406721.1); c.425-6680C>A (NM_001406722.1); short protein forms Q1175K.
Identifiers: ClinVar variation 3226299 (VCV003226299.1), dbSNP rs886040480, ClinGen allele CA387777056.